The following is an entry in ClinVar:

ClinVar aggregate classification (germline): Uncertain significance (1 of 4 stars; one submission).

Submission:

GeneDx
Classification: Uncertain significance. Last evaluated: 2025-06-16. Review status: criteria provided, single submitter. Criteria: GeneDx Variant Classification Process June 2021. Collection method: clinical testing. Allele origin: germline. Affected: yes.
Comment: Not observed at significant frequency in large population cohorts (gnomAD); In silico analysis supports that this missense variant has a deleterious effect on protein structure/function; Has not been previously published as pathogenic or benign to our knowledge; This variant is associated with the following publications: (PMID: 12070251)

NM_004380.3(CREBBP):c.4639A>G (p.Asn1547Asp)

Gene: CREBBP (CREB binding lysine acetyltransferase; minus strand). Cytogenetic location: 16p13.3.
Variant type: single nucleotide variant.
Coding change: c.4639A>G on transcript NM_004380.3 (MANE Select); coding-DNA position 4639, A replaced by G.
Protein change: p.Asn1547Asp; replaces asparagine 1547 with aspartic acid.
Molecular consequence: missense variant.
Genome position (GRCh38, 1-based): chr16:3,736,125, T>C on the plus strand (A>G on the coding strand, the complement: CREBBP is on the minus strand). VCF-style: chr16-3736125-T-C. GRCh37 (hg19) VCF-style: chr16-3786126-T-C.
Other names: c.4525A>G, p.Asn1509Asp (NM_001079846.1); short protein forms N1509D, N1547D.
Identifiers: ClinVar variation 4538818 (VCV004538818.1).
Genomic context (GRCh38, chr16:3,736,125, plus strand): 5'-CTTCCTTTTTCCTCTCCTCTTCTTCTTGTTCTAGTTCCTTAATGCTCTCTTCTAACACAT[T>C]GGGCCAGAAATCACCTTCAAAATAGGGCAGTTCCTTGGCACTGGTGAGCCTGTCTTCAGT-3'
Protein context (NP_004371.2, residues 1537-1557): LPYFEGDFWP[Asn1547Asp]VLEESIKELE